The following is an entry in ClinVar:

NM_001081.4(CUBN):c.3578G>A (p.Trp1193Ter)

Gene: CUBN (cubilin; minus strand). Cytogenetic location: 10p13.
Variant type: single nucleotide variant.
Coding change: c.3578G>A on transcript NM_001081.4 (MANE Select); coding-DNA position 3578, G replaced by A.
Protein change: p.Trp1193Ter; replaces tryptophan 1193 with a stop codon.
Molecular consequence: nonsense.
Genome position (GRCh38, 1-based): chr10:17,045,101, C>T on the plus strand (G>A on the coding strand, the complement: CUBN is on the minus strand). VCF-style: chr10-17045101-C-T. GRCh37 (hg19) VCF-style: chr10-17087100-C-T.
Other names: short protein forms W1193*.
Identifiers: ClinVar variation 2859831 (VCV002859831.3), dbSNP rs2491943944, ClinGen allele CA376148566.

ClinVar aggregate classification (germline): Pathogenic (1 of 4 stars; one submission).

Conditions:
Imerslund-Grasbeck syndrome. Also called: Megaloblastic anemia due to inborn errors of metabolism; ENTEROCYTE COBALAMIN MALABSORPTION; ENTEROCYTE INTRINSIC FACTOR RECEPTOR, DEFECT OF; Imerslund-Gräsbeck syndrome; PERNICIOUS ANEMIA, JUVENILE, DUE TO SELECTIVE INTESTINAL MALABSORPTION OF VITAMIN B12, WITH PROTEINURIA. Identifiers: Orphanet 35858, MedGen C4551825, MONDO:0009853.

Submission:

Labcorp Genetics (formerly Invitae), Labcorp
Classification: Pathogenic for Imerslund-Grasbeck syndrome. Last evaluated: 2023-10-31. Review status: criteria provided, single submitter. Criteria: Invitae Variant Classification Sherloc (09022015). Collection method: clinical testing. Allele origin: germline.
Comment: This sequence change creates a premature translational stop signal (p.Trp1193*) in the CUBN gene. It is expected to result in an absent or disrupted protein product. Loss-of-function variants in CUBN are known to be pathogenic (PMID: 15024727, 22929189, 25349199, 31613795, 34979989). This variant is not present in population databases (gnomAD no frequency). This variant has not been reported in the literature in individuals affected with CUBN-related conditions. Algorithms developed to predict the effect of sequence changes on RNA splicing suggest that this variant may disrupt the consensus splice site. For these reasons, this variant has been classified as Pathogenic.

Literature cited by the submitters: PubMed 15024727; PubMed 22929189; PubMed 25349199; PubMed 31613795; PubMed 34979989.